The following is an entry in ClinVar:

NM_001286577.2(C2CD3):c.1160C>G (p.Thr387Arg)

Gene: C2CD3 (C2 domain containing 3 centriole elongation regulator; minus strand). Cytogenetic location: 11q13.4.
Variant type: single nucleotide variant.
Coding change: c.1160C>G on transcript NM_001286577.2 (MANE Select); coding-DNA position 1160, C replaced by G.
Protein change: p.Thr387Arg; replaces threonine 387 with arginine.
Molecular consequence: missense variant.
Genome position (GRCh38, 1-based): chr11:74,132,901, G>C on the plus strand (C>G on the coding strand, the complement: C2CD3 is on the minus strand). VCF-style: chr11-74132901-G-C. GRCh37 (hg19) VCF-style: chr11-73843946-G-C.
Other names: c.1160C>G, p.Thr387Arg (NM_015531.6); short protein forms T387R.
Identifiers: ClinVar variation 2598302 (VCV002598302.3), dbSNP rs762138246, ClinGen allele CA6183037.

ClinVar aggregate classification (germline): Conflicting classifications of pathogenicity. Review status: criteria provided, conflicting classifications (1 of 4 stars). 2 submissions from 2 submitters: Uncertain significance (1); Likely benign (1). Last evaluated 2024-09-20.

Conditions:
Orofaciodigital syndrome type 14. Also called: Orofaciodigital syndrome xiv. Identifiers: Orphanet 434179, MedGen C4706604, MONDO:0014413, OMIM 615948.
Inborn genetic diseases. Identifiers: MedGen C0950123, MeSH D030342.

Allele frequency attached by ClinVar (database versions not stated): ExAC 0.00001; gnomAD exomes 0.00002.
gnomAD v4.1: 38 of 1,613,496 alleles (0.0024%); highest among the groups gnomAD compares: Middle Eastern, 0.016%; no homozygotes.

Submissions (2):

3billion
Classification: Likely benign for Orofaciodigital syndrome type 14. Last evaluated: 2024-09-20. Review status: criteria provided, single submitter. Criteria: ACMG Guidelines, 2015. Collection method: clinical testing. Allele origin: germline. Affected: no.
Comment: The homozygous variant was found in patients diagnosed with another variant in a different gene, with no symptoms related to the gene containing the homozygous variant.

Ambry Genetics
Classification: Uncertain significance for Inborn genetic diseases. Last evaluated: 2023-07-11. Review status: criteria provided, single submitter. Criteria: Ambry Variant Classification Scheme 2023. Collection method: clinical testing. Allele origin: germline.